The following is an entry in ClinVar:

NM_001987.5(ETV6):c.464-5C>T

Gene: ETV6 (ETS variant transcription factor 6; plus strand). Cytogenetic location: 12p13.2.
Variant type: single nucleotide variant.
Coding change: c.464-5C>T on transcript NM_001987.5 (MANE Select); 5 bases into the intron before coding-DNA position 464, C replaced by T.
Molecular consequence: intron variant.
Genome position (GRCh38, 1-based): chr12:11,869,419, C>T. VCF-style: chr12-11869419-C-T. GRCh37 (hg19) VCF-style: chr12-12022353-C-T.
Other names: c.437-5C>T (NM_001413914.1); c.464-5C>T (NM_001413917.1, NM_001413916.1); c.461-5C>T (NM_001413913.1); c.200-5C>T (NM_001413915.1).
Identifiers: ClinVar variation 3032997 (VCV003032997.4), dbSNP rs1356564786, ClinGen allele CA603424606.

ClinVar aggregate classification (germline): Conflicting classifications of pathogenicity. Review status: criteria provided, conflicting classifications (1 of 4 stars). 3 submissions from 3 submitters: Uncertain significance (1); Likely benign (1). 1 of the submissions does not count toward it. Last evaluated 2025-12-17.

Conditions:
Inborn genetic diseases. Identifiers: MedGen C0950123, MeSH D030342.
ETV6-related disorder. Also called: ETV6-related condition.

Allele frequency attached by ClinVar (database versions not stated): gnomAD exomes below 0.00001.
gnomAD v4.1: 2 of 1,599,064 alleles (0.00013%); highest among the groups gnomAD compares: Non-Finnish European, 0.00017%; no homozygotes.

Submissions (3):

Labcorp Genetics (formerly Invitae), Labcorp
Classification: Likely benign. Last evaluated: 2025-12-17. Review status: criteria provided, single submitter. Criteria: Invitae Variant Classification Sherloc (09022015). Collection method: clinical testing. Allele origin: germline.

Ambry Genetics
Classification: Uncertain significance for Inborn genetic diseases. Last evaluated: 2025-05-30. Review status: criteria provided, single submitter. Criteria: Ambry Variant Classification Scheme 2023. Collection method: clinical testing. Allele origin: germline.
Comment: The c.464-5C>T intronic variant results from a C to T substitution 5 nucleotides upstream from coding exon 5 in the ETV6 gene. This nucleotide position is well conserved in available vertebrate species. In silico splice site analysis predicts that this alteration will not have any significant effect on splicing. Based on the available evidence, the clinical significance of this variant remains unclear.

PreventionGenetics, part of Exact Sciences
Classification: Likely benign for ETV6-related condition. Last evaluated: 2022-12-28. Review status: no assertion criteria provided. Collection method: clinical testing. Allele origin: germline. Not counted in ClinVar's aggregate classification.
Comment: This variant is classified as likely benign based on ACMG/AMP sequence variant interpretation guidelines (Richards et al. 2015 PMID: 25741868, with internal and published modifications).